The following is an entry in ClinVar:

ClinVar aggregate classification (germline): Uncertain significance (1 of 4 stars; one submission).

Submission:

GeneDx
Classification: Uncertain significance. Last evaluated: 2026-01-15. Review status: criteria provided, single submitter. Criteria: GeneDx Variant Classification Process June 2021. Collection method: clinical testing. Allele origin: germline. Affected: yes.
Comment: Not observed at significant frequency in large population cohorts (gnomAD); In-frame duplication of 1 amino acid in a non-repeat region; Has not been previously published as pathogenic or benign to our knowledge

NM_001164508.2(NEB):c.24502_24504dup (p.Asn8168dup)

Genes: NEB (nebulin; minus strand), RIF1 (replication timing regulatory factor 1; plus strand). Cytogenetic location: 2q23.3.
Variant type: Duplication.
Coding change: c.24502_24504dup on transcript NM_001164508.2 (MANE Select); coding-DNA positions 24502 to 24504, 3 bases duplicated (AAT; older notation c.24502_24504dupAAT).
Protein change: p.Asn8168dup; duplicates asparagine 8168.
Molecular consequence: inframe insertion.
Genome position (GRCh38, 1-based): chr2:151,494,236-151,494,238, ATT duplicated on the plus strand (AAT on the coding strand, the reverse complement: NEB is on the minus strand). VCF-style (leftmost placement, unchanged base first): chr2-151494235-C-CATT. GRCh37 (hg19) VCF-style: chr2-152350749-C-CATT.
Other names: c.24607_24609dupAAT (NM_001271208.1); c.24607_24609dup (NM_001271208.1); c.24502_24504dup, p.Asn8168dup (NM_001164507.2); c.24607_24609dup, p.Asn8203dup (NM_001271208.2); c.18934_18936dup, p.Asn6312dup (NM_004543.5).
Identifiers: ClinVar variation 373798 (VCV000373798.4), dbSNP rs1057518617, ClinGen allele CA16042413.